The following is an entry in ClinVar:

NM_005245.4(FAT1):c.7057T>G (p.Ser2353Ala)

Gene: FAT1 (FAT atypical cadherin 1; minus strand). Cytogenetic location: 4q35.2.
Variant type: single nucleotide variant.
Coding change: c.7057T>G on transcript NM_005245.4 (MANE Select); coding-DNA position 7057, T replaced by G.
Protein change: p.Ser2353Ala; replaces serine 2353 with alanine.
Molecular consequence: missense variant.
Genome position (GRCh38, 1-based): chr4:186,619,529, A>C on the plus strand (T>G on the coding strand, the complement: FAT1 is on the minus strand). VCF-style: chr4-186619529-A-C. GRCh37 (hg19) VCF-style: chr4-187540683-A-C.
Other names: short protein forms S2353A.
Identifiers: ClinVar variation 713907 (VCV000713907.10), dbSNP rs146085516, ClinGen allele CA3166135.

ClinVar aggregate classification (germline): Benign/Likely benign. Review status: criteria provided, multiple submitters, no conflicts (2 of 4 stars). 3 submissions from 3 submitters: Benign (2); Likely benign (1). Last evaluated 2026-01-18.

Conditions:
FAT1-related disorder. Also called: FAT1-related condition.

Allele frequency attached by ClinVar (database versions not stated): ESP Exome Variant Server 0.00016; gnomAD exomes 0.00048 and 0.00223; gnomAD 0.00078 and 0.00097; TOPMed 0.00108; ExAC 0.00204; 1000 Genomes Project 30x 0.00468; 1000 Genomes Project 0.00519.
gnomAD v4.1: 870 of 1,613,908 alleles (0.054%); highest among the groups gnomAD compares: East Asian, 1.8%; 16 homozygotes.

Submissions (3):

Labcorp Genetics (formerly Invitae), Labcorp
Classification: Benign. Last evaluated: 2026-01-18. Review status: criteria provided, single submitter. Criteria: Invitae Variant Classification Sherloc (09022015). Collection method: clinical testing. Allele origin: germline.

GeneDx
Classification: Likely benign. Last evaluated: 2023-02-16. Review status: criteria provided, single submitter. Criteria: GeneDx Variant Classification Process June 2021. Collection method: clinical testing. Allele origin: germline. Affected: yes.
Comment: See Variant Classification Assertion Criteria.

Department of Pathology and Laboratory Medicine, Sinai Health System
Classification: Benign for FAT1-related disorder. Last evaluated: 2020-08-13. Review status: criteria provided, single submitter. Criteria: ACMG Guidelines, 2015. Collection method: research. Allele origin: germline.